The following is an entry in ClinVar:

NM_000382.3(ALDH3A2):c.286_296del (p.Tyr96fs)

Gene: ALDH3A2 (aldehyde dehydrogenase 3 family member A2; plus strand). Cytogenetic location: 17p11.2.
Variant type: Deletion.
Coding change: c.286_296del on transcript NM_000382.3 (MANE Select); coding-DNA positions 286 to 296, 11 bases deleted (TATATTCAGCC).
Protein change: p.Tyr96fs; shifts the reading frame from tyrosine 96.
Molecular consequence: frameshift variant. On other transcripts: 5 prime UTR variant (1).
Genome position (GRCh38, 1-based): chr17:19,651,679-19,651,689, TATATTCAGCC deleted; deleting any 11 consecutive bases within chr17:19,651,676-19,651,689 gives the same sequence; the c. name uses the placement nearest the transcript's 3' end. VCF-style (leftmost placement, unchanged base first): chr17-19651675-GGCCTATATTCA-G. GRCh37 (hg19) VCF-style: chr17-19554988-GGCCTATATTCA-G.
Other names: c.286_296del, p.Tyr96fs (NM_001031806.2, NM_001369136.1, NM_001369137.2 and 3 more transcripts); c.-403_-393del (NM_001369148.2); short protein forms Y96fs.
Identifiers: ClinVar variation 1068916 (VCV001068916.7), dbSNP rs2152326471, ClinGen allele CA2499223943.

ClinVar aggregate classification (germline): Pathogenic. Review status: criteria provided, multiple submitters, no conflicts (2 of 4 stars). 3 submissions from 3 submitters: Pathogenic (3). Last evaluated 2024-04-30.

Conditions:
Sjögren-Larsson syndrome (SLS). Also called: FALDH DEFICIENCY; FATTY ALCOHOL:NAD+ OXIDOREDUCTASE DEFICIENCY; FATTY ALDEHYDE DEHYDROGENASE DEFICIENCY; ICHTHYOSIS, SPASTIC NEUROLOGIC DISORDER, AND OLIGOPHRENIA. Identifiers: Orphanet 816, MedGen C0037231, MONDO:0010031, OMIM 270200.

Submissions (3):

Fulgent Genetics
Classification: Pathogenic for Sjögren-Larsson syndrome. Last evaluated: 2024-04-30. Review status: criteria provided, single submitter. Criteria: ACMG Guidelines, 2015. Collection method: clinical testing. Allele origin: germline.

Myriad Genetics, Inc.
Classification: Pathogenic for Sjögren-Larsson syndrome. Last evaluated: 2024-04-01. Review status: criteria provided, single submitter. Criteria: Myriad Autosomal Dominant, Autosomal Recessive and X-Linked Classification Criteria (2023). Collection method: clinical testing. Allele origin: unknown.
Comment: NM_000382.2(ALDH3A2):c.286_296del11(Y96Tfs*39) is expected to be pathogenic in the context of Sjogren-Larsson syndrome. This variant is predicted to lead to an abnormal or absent protein product due to the creation of a premature termination codon in ALDH3A2, a gene where loss-of-function variants are known to be pathogenic. Please note: this variant was assessed in the context of healthy population screening.

Labcorp Genetics (formerly Invitae), Labcorp
Classification: Pathogenic. Last evaluated: 2020-07-26. Review status: criteria provided, single submitter. Criteria: Invitae Variant Classification Sherloc (09022015). Collection method: clinical testing. Allele origin: germline.
Comment: For these reasons, this variant has been classified as Pathogenic. Loss-of-function variants in ALDH3A2 are known to be pathogenic (PMID: 10577908, 10854114). This variant has been observed in individual(s) with Sjögren–Larsson syndrome (PMID: 10577908, 15241804). This variant is not present in population databases (ExAC no frequency). This sequence change creates a premature translational stop signal (p.Tyr96Thrfs*39) in the ALDH3A2 gene. It is expected to result in an absent or disrupted protein product.

Literature cited by the submitters: PubMed 10577908 (cited by Labcorp Genetics (formerly Invitae), Labcorp); PubMed 10854114 (cited by Labcorp Genetics (formerly Invitae), Labcorp); PubMed 15241804 (cited by Labcorp Genetics (formerly Invitae), Labcorp).